The following is an entry in ClinVar:

NM_031308.4(EPPK1):c.70A>C (p.Arg24=)

Gene: EPPK1 (epiplakin 1; minus strand). Cytogenetic location: 8q24.3.
Variant type: single nucleotide variant.
Coding change: c.70A>C on transcript NM_031308.4 (MANE Select); coding-DNA position 70, A replaced by C.
Protein change: p.Arg24=; no amino-acid change (arginine 24 retained).
Molecular consequence: synonymous variant.
Genome position (GRCh38, 1-based): chr8:143,873,184, T>G on the plus strand (A>C on the coding strand, the complement: EPPK1 is on the minus strand). VCF-style: chr8-143873184-T-G. GRCh37 (hg19) VCF-style: chr8-144947352-T-G.
Identifiers: ClinVar variation 3055106 (VCV003055106.2), dbSNP rs74594612, ClinGen allele CA4923714.

ClinVar aggregate classification (germline): Likely benign (0 of 4 stars; one submission).

Conditions:
EPPK1-related disorder. Also called: EPPK1-related condition.

Allele frequency attached by ClinVar (database versions not stated): gnomAD exomes 0.00005; gnomAD 0.00009; TOPMed 0.00014; ExAC 0.00024; 1000 Genomes Project 0.00040; 1000 Genomes Project 30x 0.00047.

Submission:

PreventionGenetics, part of Exact Sciences
Classification: Likely benign for EPPK1-related condition. Last evaluated: 2022-01-14. Review status: no assertion criteria provided. Collection method: clinical testing. Allele origin: germline.
Comment: This variant is classified as likely benign based on ACMG/AMP sequence variant interpretation guidelines (Richards et al. 2015 PMID: 25741868, with internal and published modifications).